The following is an entry in ClinVar:

ClinVar aggregate classification (germline): Uncertain significance (1 of 4 stars; one submission).

Conditions:
Inborn genetic diseases. Identifiers: MedGen C0950123, MeSH D030342.

Submission:

Ambry Genetics
Classification: Uncertain significance for Inborn genetic diseases. Last evaluated: 2026-05-03. Review status: criteria provided, single submitter. Criteria: Ambry Variant Classification Scheme 2023. Collection method: clinical testing. Allele origin: germline.
Comment: The p.I171V variant (also known as c.511A>G) is located in coding exon 4 of the MECOM gene. The isoleucine at codon 171 is replaced by valine, an amino acid with highly similar properties. This change occurs in the first base pair of coding exon 4. This amino acid position is conserved. In addition, this alteration is predicted to be tolerated by in silico analysis. Based on the available evidence, the clinical significance of this variant remains unclear.

NM_004991.4(MECOM):c.511A>G (p.Ile171Val)

Gene: MECOM (MDS1 and EVI1 complex locus; minus strand). Cytogenetic location: 3q26.2.
Variant type: single nucleotide variant.
Coding change: c.511A>G on transcript NM_004991.4 (MANE Select); coding-DNA position 511, A replaced by G.
Protein change: p.Ile171Val; replaces isoleucine 171 with valine.
Molecular consequence: missense variant. On other transcripts: 5 prime UTR variant (12).
Genome position (GRCh38, 1-based): chr3:169,131,531, T>C on the plus strand (A>G on the coding strand, the complement: MECOM is on the minus strand). VCF-style: chr3-169131531-T-C. GRCh37 (hg19) VCF-style: chr3-168849319-T-C.
Other names: c.139A>G, p.Ile47Val (NM_001105077.4); c.-54A>G (NM_001105078.4, NM_001163999.2, NM_001164000.2 and 9 more transcripts); c.511A>G, p.Ile171Val (NM_001366466.2, NM_001366473.2); short protein forms I171V, I47V.
Identifiers: ClinVar variation 4859769 (VCV004859769.1).